The following is an entry in ClinVar:

ClinVar aggregate classification (germline): other (0 of 4 stars; one submission).

Conditions:
Familial colorectal cancer. Identifiers: MedGen CN280943, MONDO:0023113. Disease mechanism: loss of function.

Submission:

Systems Biology Platform Zhejiang California International NanoSystems Institute
Classification: other for Familial colorectal cancer. Review status: no assertion criteria provided. Collection method: not provided. Allele origin: unknown.
ClinVar note: Converted during submission from cancer to other.

NM_000038.6(APC):c.136-287A>G

Gene: APC (APC regulator of WNT signaling pathway; plus strand). Cytogenetic location: 5q22.2.
Variant type: single nucleotide variant.
Coding change: c.136-287A>G on transcript NM_000038.6 (MANE Select); 287 bases into the intron before coding-DNA position 136, A replaced by G.
Molecular consequence: intron variant.
Genome position (GRCh38, 1-based): chr5:112,766,039, A>G. VCF-style: chr5-112766039-A-G. GRCh37 (hg19) VCF-style: chr5-112101736-A-G.
Other names: c.136-287A>G (NM_001354895.2, NM_001127510.3, NM_001354896.2 and 2 more transcripts); c.166-287A>G (NM_001354897.2, NM_001354902.2, NM_001127511.3); c.61-287A>G (NM_001354898.2, NM_001354904.2); c.-900-287A>G (NM_001354906.2); c.-42-287A>G (NM_001354900.2, NM_001354901.2, NM_001354905.2).
Identifiers: ClinVar variation 82394 (VCV000082394.2), dbSNP rs79035771, ClinGen allele CA004660.